The following is an entry in ClinVar:

ClinVar aggregate classification (germline): Likely benign. Review status: criteria provided, single submitter (1 of 4 stars). 2 submissions from 2 submitters: Likely benign (1). 1 of the submissions does not count toward it. Last evaluated 2023-12-05.

Conditions:
SMARCD2-related disorder. Also called: SMARCD2-related condition.

Allele frequency attached by ClinVar (database versions not stated): gnomAD 0.00035; gnomAD exomes 0.00060.
gnomAD v4.1: 833 of 1,492,880 alleles (0.056%); highest among the groups gnomAD compares: Non-Finnish European, 0.073%; no homozygotes.

Submissions (2):

Blueprint Genetics
Classification: Likely benign. Last evaluated: 2023-12-05. Review status: criteria provided, single submitter. Criteria: ACMG Guidelines, 2015. Collection method: clinical testing. Allele origin: germline.

PreventionGenetics, part of Exact Sciences
Classification: Likely benign for SMARCD2-related condition. Last evaluated: 2022-04-21. Review status: no assertion criteria provided. Collection method: clinical testing. Allele origin: germline. Not counted in ClinVar's aggregate classification.
Comment: This variant is classified as likely benign based on ACMG/AMP sequence variant interpretation guidelines (Richards et al. 2015 PMID: 25741868, with internal and published modifications).

NM_001098426.2(SMARCD2):c.217-1024C>A

Gene: SMARCD2 (SWI/SNF related BAF chromatin remodeling complex subunit D2; minus strand). Cytogenetic location: 17q23.3.
Variant type: single nucleotide variant.
Coding change: c.217-1024C>A on transcript NM_001098426.2 (MANE Select); 1024 bases into the intron before coding-DNA position 217, C replaced by A.
Molecular consequence: intron variant. On other transcripts: synonymous variant (1).
Genome position (GRCh38, 1-based): chr17:63,838,649, G>T on the plus strand (C>A on the coding strand, the complement: SMARCD2 is on the minus strand). VCF-style: chr17-63838649-G-T. GRCh37 (hg19) VCF-style: chr17-61916009-G-T.
Other names: c.33C>A, p.Pro11= (NM_001330440.2); c.-9-1024C>A (NM_001330439.1).
Identifiers: ClinVar variation 3053681 (VCV003053681.3), dbSNP rs780259751, ClinGen allele CA292955481.